The following is an entry in ClinVar:

ClinVar aggregate classification (germline): Likely benign. Review status: criteria provided, single submitter (1 of 4 stars). 2 submissions from 2 submitters: Likely benign (1). 1 of the submissions does not count toward it. Last evaluated 2025-12-03.

Conditions:
VPS13B-related disorder. Also called: VPS13B-related condition.
Cohen syndrome (COH1). Also called: PEPPER SYNDROME; Cutis verticis gyrata, retinitis pigmentosa, and sensorineural deafness. Identifiers: Orphanet 193, MedGen C0265223, MONDO:0008999, OMIM 216550.

Allele frequency attached by ClinVar (database versions not stated): gnomAD exomes 0.00001.
gnomAD v4.1: 3 of 1,591,026 alleles (0.00019%); highest among the groups gnomAD compares: Admixed American, 0.0053%; no homozygotes.

Submissions (2):

Labcorp Genetics (formerly Invitae), Labcorp
Classification: Likely benign for Cohen syndrome. Last evaluated: 2025-12-03. Review status: criteria provided, single submitter. Criteria: Invitae Variant Classification Sherloc (09022015). Collection method: clinical testing. Allele origin: germline.

PreventionGenetics, part of Exact Sciences
Classification: Likely benign for VPS13B-related condition. Last evaluated: 2024-07-10. Review status: no assertion criteria provided. Collection method: clinical testing. Allele origin: germline. Not counted in ClinVar's aggregate classification.
Comment: This variant is classified as likely benign based on ACMG/AMP sequence variant interpretation guidelines (Richards et al. 2015 PMID: 25741868, with internal and published modifications).

NM_152564.5(VPS13B):c.11045-6C>T

Gene: VPS13B (vacuolar protein sorting 13 homolog B; plus strand). Cytogenetic location: 8q22.2.
Variant type: single nucleotide variant.
Coding change: c.11045-6C>T on transcript NM_152564.5 (MANE Select); 6 bases into the intron before coding-DNA position 11045, C replaced by T.
Molecular consequence: intron variant.
Genome position (GRCh38, 1-based): chr8:99,861,770, C>T. VCF-style: chr8-99861770-C-T. GRCh37 (hg19) VCF-style: chr8-100873998-C-T.
Other names: c.11120-6C>T (NM_017890.5); c.11045-6C>T (NM_152564.4).
Identifiers: ClinVar variation 711428 (VCV000711428.10), dbSNP rs1250558576, ClinGen allele CA583861168.